The following is an entry in ClinVar:

ClinVar aggregate classification (germline): Pathogenic (1 of 4 stars; one submission).

Submission:

Labcorp Genetics (formerly Invitae), Labcorp
Classification: Pathogenic. Last evaluated: 2024-10-29. Review status: criteria provided, single submitter. Criteria: Invitae Variant Classification Sherloc (09022015). Collection method: clinical testing. Allele origin: germline.
Comment: This sequence change creates a premature translational stop signal (p.Arg1791Glyfs*6) in the CEP250 gene. It is expected to result in an absent or disrupted protein product. Loss-of-function variants in CEP250 are known to be pathogenic (PMID: 24780881, 29718797). This variant is not present in population databases (gnomAD no frequency). This variant has not been reported in the literature in individuals affected with CEP250-related conditions. ClinVar contains an entry for this variant (Variation ID: 2073561). For these reasons, this variant has been classified as Pathogenic.

Literature cited by the submitters: PubMed 24780881; PubMed 29718797.

NM_007186.6(CEP250):c.5370del (p.Arg1791fs)

Gene: CEP250 (centrosomal protein 250; plus strand). Cytogenetic location: 20q11.22.
Variant type: Deletion.
Coding change: c.5370del on transcript NM_007186.6 (MANE Select); coding-DNA position 5370, one base deleted (C; older notation c.5370delC).
Protein change: p.Arg1791fs; shifts the reading frame from arginine 1791.
Molecular consequence: frameshift variant.
Genome position (GRCh38, 1-based): chr20:35,503,739, C deleted; the last of 2 consecutive C bases (chr20:35,503,738-35,503,739); deleting either gives the same sequence. VCF-style (leftmost placement, unchanged base first): chr20-35503737-GC-G. GRCh37 (hg19) VCF-style: chr20-34091565-GC-G.
Other names: c.3474del, p.Arg1159fs (NM_001318219.1); short protein forms R1159fs, R1791fs.
Identifiers: ClinVar variation 2073561 (VCV002073561.4), dbSNP rs2516260557, ClinGen allele CA2580098128.